The following is an entry in ClinVar:

NM_001042492.3(NF1):c.234T>A (p.Asn78Lys)

Gene: NF1 (neurofibromin 1; plus strand). Cytogenetic location: 17q11.2.
Variant type: single nucleotide variant.
Coding change: c.234T>A on transcript NM_001042492.3 (MANE Select); coding-DNA position 234, T replaced by A.
Protein change: p.Asn78Lys; replaces asparagine 78 with lysine.
Molecular consequence: missense variant.
Genome position (GRCh38, 1-based): chr17:31,159,039, T>A. VCF-style: chr17-31159039-T-A. GRCh37 (hg19) VCF-style: chr17-29486057-T-A.
Other names: c.234T>A, p.Asn78Lys (NM_000267.4, NM_001128147.3); short protein forms N78K.
Identifiers: ClinVar variation 230049 (VCV000230049.14), dbSNP rs876658354, ClinGen allele CA10580185.

ClinVar aggregate classification (germline): Conflicting classifications of pathogenicity. Review status: criteria provided, conflicting classifications (1 of 4 stars). 6 submissions from 5 submitters: Uncertain significance (5); Likely benign (1). Last evaluated 2026-01-06.

Conditions:
Cardiovascular phenotype. Identifiers: MedGen CN230736.
Hereditary cancer-predisposing syndrome. Also called: Hereditary Cancer Syndrome; Neoplastic Syndromes, Hereditary; Tumor predisposition; Hereditary neoplastic syndrome. Identifiers: Orphanet 140162, MedGen C0027672, MeSH D009386, MONDO:0015356.
Café-au-lait macules with pulmonary stenosis (WTSN). Also called: PULMONIC STENOSIS WITH CAFE-AU-LAIT SPOTS. Identifiers: MedGen C0553586, MONDO:0008672, OMIM 193520.
Juvenile myelomonocytic leukemia (JMML). Also called: LEUKEMIA, JUVENILE MYELOMONOCYTIC, SOMATIC. Identifiers: Orphanet 86834, MedGen C0349639, MONDO:0011908, OMIM 607785, HP:0012209.
Neurofibromatosis-Noonan syndrome (NFNS). Also called: NEUROFIBROMATOSIS WITH NOONAN PHENOTYPE. Identifiers: Orphanet 638, MedGen C2931482, MONDO:0011035, OMIM 601321. Disease mechanism: loss of function.
Neurofibromatosis, familial spinal (FSNF). Identifiers: Orphanet 636, MedGen C1834235, MONDO:0008078, OMIM 162210. Disease mechanism: loss of function.
Neurofibromatosis, type 1 (NF1). Also called: Neurofibromatosis, type I; VON RECKLINGHAUSEN DISEASE; NEUROFIBROMATOSIS, TYPE I, SOMATIC; Peripheral type neurofibromatosis. Identifiers: Orphanet 636, MedGen C0027831, MONDO:0018975, OMIM 162200. Disease mechanism: loss of function.

Allele frequency attached by ClinVar (database versions not stated): gnomAD exomes below 0.00001.
gnomAD v4.1: 1 of 1,608,592 alleles (0.000062%); highest among the groups gnomAD compares: Non-Finnish European, 0.000085%; no homozygotes.

Submissions (6):

Labcorp Genetics (formerly Invitae), Labcorp
Classification: Likely benign for Neurofibromatosis, type 1. Last evaluated: 2026-01-06. Review status: criteria provided, single submitter. Criteria: Invitae Variant Classification Sherloc (09022015). Collection method: clinical testing. Allele origin: germline.

Fulgent Genetics
Classification: Uncertain significance for Neurofibromatosis, type 1; Neurofibromatosis, familial spinal; Café-au-lait macules with pulmonary stenosis; Neurofibromatosis-Noonan syndrome; Juvenile myelomonocytic leukemia. Last evaluated: 2024-01-18. Review status: criteria provided, single submitter. Criteria: ACMG Guidelines, 2015. Collection method: clinical testing. Allele origin: germline.

GeneDx
Classification: Uncertain significance. Last evaluated: 2023-02-23. Review status: criteria provided, single submitter. Criteria: GeneDx Variant Classification Process June 2021. Collection method: clinical testing. Allele origin: germline. Affected: yes.
Comment: In silico analysis supports that this missense variant has a deleterious effect on protein structure/function; Has not been previously published as pathogenic or benign to our knowledge

Genome-Nilou Lab
Classification: Uncertain significance for Neurofibromatosis, type 1. Last evaluated: 2022-03-15. Review status: criteria provided, single submitter. Criteria: ACMG Guidelines, 2015. Collection method: clinical testing. Allele origin: germline. Affected: no.

Ambry Genetics
Classification: Uncertain significance for Cardiovascular phenotype; Hereditary cancer-predisposing syndrome. Last evaluated: 2020-01-31. Review status: criteria provided, single submitter. Criteria: Ambry Variant Classification Scheme 2023. Collection method: clinical testing. Allele origin: germline.

Ambry Genetics
Classification: Uncertain significance for Hereditary cancer-predisposing syndrome. Last evaluated: 2015-01-16. Review status: criteria provided, single submitter. Criteria: Ambry Autosomal Dominant and X-Linked criteria (10/2015). Collection method: clinical testing. Allele origin: germline. Observed: 1 variant allele.
Comment: The p.N78K variant (also known as c.234T>A), located in coding exon 3 of the NF1 gene, results from a T to A substitution at nucleotide position 234. The asparagine at codon 78 is replaced by lysine, an amino acid with similar properties. This variant was not reported in population based cohorts in the following databases: Database of Single Nucleotide Polymorphisms (dbSNP), NHLBI Exome Sequencing Project (ESP), and 1000 Genomes Project. In the ESP, this variant was not observed in 6501 samples (13002 alleles) with coverage at this position. To date, this alteration has been detected with an allele frequency of approximately 0.003% (greater than 30000 alleles tested) in our clinical cohort. This amino acid position is highly conserved in available vertebrate species. In addition, this alteration is predicted to be benign and deleterious by PolyPhen and SIFT in silico analyses, respectively. Since supporting evidence is limited at this time, the clinical significance of p.N78K remains unclear.